The following is an entry in ClinVar:

NM_001145026.2(PTPRQ):c.4144A>T (p.Thr1382Ser)

Gene: PTPRQ (protein tyrosine phosphatase receptor type Q; plus strand). Cytogenetic location: 12q21.31.
Variant type: single nucleotide variant.
Coding change: c.4144A>T on transcript NM_001145026.2 (MANE Select); coding-DNA position 4144, A replaced by T.
Protein change: p.Thr1382Ser; replaces threonine 1382 with serine.
Molecular consequence: missense variant.
Genome position (GRCh38, 1-based): chr12:80,549,593, A>T. VCF-style: chr12-80549593-A-T. GRCh37 (hg19) VCF-style: chr12-80943372-A-T.
Other names: short protein forms T1382S.
Identifiers: ClinVar variation 3250513 (VCV003250513.18), dbSNP rs552793638.

ClinVar aggregate classification (germline): Likely benign (1 of 4 stars; one submission).

Allele frequency attached by ClinVar (database versions not stated): TOPMed 0.00014; ExAC 0.00015; 1000 Genomes Project 0.00020; gnomAD exomes 0.00030; 1000 Genomes Project 30x 0.00031; gnomAD 0.00045.
gnomAD v4.1: 480 of 1,551,266 alleles (0.031%); highest among the groups gnomAD compares: Non-Finnish European, 0.017%; no homozygotes.

Submission:

CeGaT Center for Human Genetics Tuebingen
Classification: Likely benign. Last evaluated: 2024-06-01. Review status: criteria provided, single submitter. Criteria: CeGaT Center For Human Genetics Tuebingen Variant Classification Criteria Version 2. Collection method: clinical testing. Allele origin: germline. Affected: yes. Observed: 1 variant allele.
Comment: PTPRQ: BP4, BS2